The following is an entry in ClinVar:

ClinVar aggregate classification (germline): Pathogenic. Review status: reviewed by expert panel (3 of 4 stars). 2 submissions from 2 submitters: Pathogenic (1). 1 of the submissions does not count toward it. Last evaluated 2023-12-09.

Conditions:
Hereditary thrombocytopenia and hematological cancer predisposition syndrome associated with RUNX1. Also called: PLATELET DISORDER, ASPIRIN-LIKE; RUNX1 Familial Platelet Disorder with Associated Myeloid Malignancies; Familial Platelet Disorder with Propensity to Acute Myelogenous Leukemia; Familial thrombocytopenia with propensity to acute myelogenous leukemia. Identifiers: Orphanet 71290, MedGen C1832388, MeSH C563324, MONDO:0100083, OMIM 601399.
Hereditary thrombocytopenia and hematologic cancer predisposition syndrome. Identifiers: Orphanet 71290, MedGen CN281654, MONDO:0011071.

Submissions (2):

ClinGen Myeloid Malignancy Variant Curation Expert Panel
Classification: Pathogenic for Hereditary thrombocytopenia and hematologic cancer predisposition syndrome. Last evaluated: 2023-12-09. Review status: reviewed by expert panel. Criteria: ClinGen MyeloMalig ACMG Specifications v2. Collection method: curation. Allele origin: germline. Inheritance: Autosomal dominant inheritance.
Comment: NM_001754.5(RUNX1):c.601dup (p.Arg201ProfsTer12) is a frameshift variant. The transcript product is predicted to undergo NMD (PVS1). This variant is completely absent from all population databases with at least 20x coverage for RUNX1 in gnomAD v2.1.1 and v3.1.2 (PM2_supporting). This variant has been reported in 1 proband with family history meeting RUNX-1 phenotypic criteria (thrombocytopenia) (PMID 26175287) (PS4_supporting). This variant was also reported in Clinvar in 2021 by Invitae but the affected status of the proband is unknown (Variation ID 1073884). There are 25 nonsense/frameshift variants classified as pathogenic by the MM-VCEP in exons 3-7 (two per exon) without use of PM5_Supporting (PMID: 35764482) (PM5_supporting). In summary, the clinical significance of this variant is pathogenic. ACMG/AMP criteria applied, as specified by the Myeloid Malignancy Variant Curation Expert Panel for RUNX1: PVS1, PS4_supporting, PM2_supporting, PM5_supporting.

Labcorp Genetics (formerly Invitae), Labcorp
Classification: Pathogenic for Hereditary thrombocytopenia and hematological cancer predisposition syndrome associated with RUNX1. Last evaluated: 2020-10-21. Review status: criteria provided, single submitter. Criteria: Invitae Variant Classification Sherloc (09022015). Collection method: clinical testing. Allele origin: germline. Not counted in ClinVar's aggregate classification.
Comment: For these reasons, this variant has been classified as Pathogenic. This variant has been observed in individual(s) with thrombocytopenia (PMID: 26175287). This variant is not present in population databases (ExAC no frequency). This sequence change creates a premature translational stop signal (p.Arg201Profs*12) in the RUNX1 gene. It is expected to result in an absent or disrupted protein product. Loss-of-function variants in RUNX1 are known to be pathogenic (PMID: 18723428, 24100448).

Literature cited by the submitters: PubMed 26175287 (cited by Labcorp Genetics (formerly Invitae), Labcorp); PubMed 18723428 (cited by Labcorp Genetics (formerly Invitae), Labcorp); PubMed 24100448 (cited by Labcorp Genetics (formerly Invitae), Labcorp).

NM_001754.5(RUNX1):c.601dup (p.Arg201fs)

Genes: RUNX1-AS1 (RUNX1 antisense RNA 1; plus strand), RUNX1 (RUNX family transcription factor 1; minus strand). Cytogenetic location: 21q22.12.
Variant type: Duplication.
Coding change: c.601dup on transcript NM_001754.5 (MANE Select); coding-DNA position 601, one base duplicated (C; older notation c.601dupC).
Protein change: p.Arg201fs; shifts the reading frame from arginine 201.
Molecular consequence: frameshift variant.
Genome position (GRCh38, 1-based): chr21:34,859,486, G duplicated on the plus strand (C on the coding strand, the reverse complement: RUNX1 is on the minus strand); the first of 4 consecutive G bases (chr21:34,859,486-34,859,489); duplicating any one gives the same sequence. VCF-style (leftmost placement, unchanged base first): chr21-34859485-C-CG. GRCh37 (hg19) VCF-style: chr21-36231782-C-CG.
Other names: NM_001754.5(RUNX1):c.601dup; p.Arg201fs; c.520dup, p.Arg174fs (NM_001001890.3, NM_001122607.2); short protein forms R174fs, R201fs.
Identifiers: ClinVar variation 1073884 (VCV001073884.10), dbSNP rs2146234527, ClinGen allele CA913189266.